The following is an entry in ClinVar:

NM_002693.3(POLG):c.158_159insGCAACA (p.Gln54_Gln55dup)

Genes: POLG (DNA polymerase gamma, catalytic subunit; minus strand), POLGARF (POLG alternative reading frame; minus strand). Cytogenetic location: 15q26.1.
Variant type: Insertion.
Coding change: c.158_159insGCAACA on transcript NM_002693.3 (MANE Select); coding-DNA positions 158 to 159, GCAACA inserted.
Protein change: p.Gln54_Gln55dup.
Molecular consequence: inframe insertion.
Genome position: GRCh38 VCF-style: chr15-89333596-T-TTGTTGC. GRCh37 (hg19) VCF-style: chr15-89876827-T-TTGTTGC.
Other names: c.158_159insGCAACA, p.Gln54_Gln55dup (NM_001126131.2).
Identifiers: ClinVar variation 1000305 (VCV001000305.8), dbSNP rs1555454333, ClinGen allele CA2194573306.
Genomic context (GRCh38, chr15:89,333,596, plus strand): 5'-TGGGTTGTGCCGCAGCTGCCCGCCCTCCGAGGATAGCACTTGCGGCTGCTGAGGCTGCTG[T>TTGTTGC]TGCTGCTGCTGCTGCTGCTGCTGCTGCTGCTGCCGCCGCCGCTGCCCGTCGCTGGGGTCG-3'

ClinVar aggregate classification (germline): Uncertain significance (1 of 4 stars; one submission).

Conditions:
Progressive sclerosing poliodystrophy (MTDPS4A). Also called: ALPERS PROGRESSIVE INFANTILE POLIODYSTROPHY; ALPERS DIFFUSE DEGENERATION OF CEREBRAL GRAY MATTER WITH HEPATIC CIRRHOSIS; Alpers-Huttenlocher Syndrome; NEURONAL DEGENERATION OF CHILDHOOD WITH LIVER DISEASE, PROGRESSIVE; Alpers Syndrome; Mitochondrial DNA Depletion Syndrome 4A. Identifiers: Orphanet 726, MedGen C0205710, MONDO:0008758, OMIM 203700.

Submission:

Labcorp Genetics (formerly Invitae), Labcorp
Classification: Uncertain significance for Progressive sclerosing poliodystrophy. Last evaluated: 2025-02-07. Review status: criteria provided, single submitter. Criteria: Invitae Variant Classification Sherloc (09022015). Collection method: clinical testing. Allele origin: germline.
Comment: This variant, c.158_159insGCAACA, results in the insertion of 2 amino acid(s) of the POLG protein (p.Gln54_Gln55dup), but otherwise preserves the integrity of the reading frame. This variant is not present in population databases (gnomAD no frequency). This variant has not been reported in the literature in individuals affected with POLG-related conditions. ClinVar contains an entry for this variant (Variation ID: 1000305). Experimental studies and prediction algorithms are not available or were not evaluated, and the functional significance of this variant is currently unknown. In summary, the available evidence is currently insufficient to determine the role of this variant in disease. Therefore, it has been classified as a Variant of Uncertain Significance.